The following is an entry in ClinVar:

NM_138701.4(MPLKIP):c.216C>G (p.Ser72Arg)

Genes: MPLKIP (M-phase specific PLK1 interacting protein; minus strand), LOC129998295 (ATAC-STARR-seq lymphoblastoid silent region 18117; plus strand). Cytogenetic location: 7p14.1.
Variant type: single nucleotide variant.
Coding change: c.216C>G on transcript NM_138701.4 (MANE Select); coding-DNA position 216, C replaced by G.
Protein change: p.Ser72Arg; replaces serine 72 with arginine.
Molecular consequence: missense variant.
Genome position (GRCh38, 1-based): chr7:40,134,352, G>C on the plus strand (C>G on the coding strand, the complement: MPLKIP is on the minus strand). VCF-style: chr7-40134352-G-C. GRCh37 (hg19) VCF-style: chr7-40173951-G-C.
Other names: short protein forms S72R.
Identifiers: ClinVar variation 1940326 (VCV001940326.5), dbSNP rs1787548780, ClinGen allele CA367308200.

ClinVar aggregate classification (germline): Uncertain significance (1 of 4 stars; one submission).

Allele frequency attached by ClinVar (database versions not stated): TOPMed below 0.00001.

Submission:

Labcorp Genetics (formerly Invitae), Labcorp
Classification: Uncertain significance. Last evaluated: 2022-06-05. Review status: criteria provided, single submitter. Criteria: Invitae Variant Classification Sherloc (09022015). Collection method: clinical testing. Allele origin: germline.
Comment: In summary, the available evidence is currently insufficient to determine the role of this variant in disease. Therefore, it has been classified as a Variant of Uncertain Significance. Algorithms developed to predict the effect of missense changes on protein structure and function (SIFT, PolyPhen-2, Align-GVGD) all suggest that this variant is likely to be tolerated. This variant has not been reported in the literature in individuals affected with MPLKIP-related conditions. This variant is not present in population databases (gnomAD no frequency). This sequence change replaces serine, which is neutral and polar, with arginine, which is basic and polar, at codon 72 of the MPLKIP protein (p.Ser72Arg).